The following is an entry in ClinVar:

ClinVar aggregate classification (germline): Pathogenic/Likely pathogenic. Review status: criteria provided, multiple submitters, no conflicts (2 of 4 stars). 3 submissions from 3 submitters: Pathogenic (2); Likely pathogenic (1). Last evaluated 2025-10-18.

Conditions:
Combined oxidative phosphorylation deficiency 35 (COXPD35). Identifiers: MedGen C4693466, MONDO:0054742, OMIM 617873.

Allele frequency attached by ClinVar (database versions not stated): gnomAD exomes below 0.00001 and 0.00002; TOPMed below 0.00001; gnomAD 0.00001.

Submissions (3):

GeneDx
Classification: Pathogenic. Last evaluated: 2025-10-18. Review status: criteria provided, single submitter. Criteria: GeneDx Variant Classification Process June 2021. Collection method: clinical testing. Allele origin: germline. Affected: yes.
Comment: Frameshift variant predicted to result in protein truncation or nonsense mediated decay in a gene for which loss of function is a known mechanism of disease; Not observed at significant frequency in large population cohorts (gnomAD); This variant is associated with the following publications: (PMID: 40908562)

Labcorp Genetics (formerly Invitae), Labcorp
Classification: Pathogenic. Last evaluated: 2024-02-14. Review status: criteria provided, single submitter. Criteria: Invitae Variant Classification Sherloc (09022015). Collection method: clinical testing. Allele origin: germline.
Comment: This sequence change creates a premature translational stop signal (p.Val344Serfs*4) in the TRIT1 gene. It is expected to result in an absent or disrupted protein product. Loss-of-function variants in TRIT1 are known to be pathogenic (PMID: 24901367, 28185376). This variant is present in population databases (no rsID available, gnomAD 0.0009%). This variant has not been reported in the literature in individuals affected with TRIT1-related conditions. ClinVar contains an entry for this variant (Variation ID: 1700786). For these reasons, this variant has been classified as Pathogenic.

Juno Genomics, Hangzhou Juno Genomics, Inc
Classification: Likely pathogenic for Combined oxidative phosphorylation deficiency 35. Review status: criteria provided, single submitter. Criteria: ACMG Guidelines, 2015. Collection method: clinical testing. Allele origin: germline. Affected: yes.
Comment: Null variant in a gene where loss of function (LOF) is a known mechanism of disease.;Absent from controls (or at extremely low frequency if recessive) in Genome Aggregation Database, Exome Sequencing Project, 1000 Genomes Project, or Exome Aggregation Consortium.

Literature cited by the submitters: PubMed 24901367 (cited by Labcorp Genetics (formerly Invitae), Labcorp); PubMed 28185376 (cited by Labcorp Genetics (formerly Invitae), Labcorp).

NM_017646.6(TRIT1):c.1029del (p.Val344fs)

Gene: TRIT1 (tRNA isopentenyltransferase 1; minus strand). Cytogenetic location: 1p34.2.
Variant type: Deletion.
Coding change: c.1029del on transcript NM_017646.6 (MANE Select); coding-DNA position 1029, one base deleted (T; older notation c.1029delT).
Protein change: p.Val344fs; shifts the reading frame from valine 344.
Molecular consequence: frameshift variant.
Genome position (GRCh38, 1-based): chr1:39,844,618, A deleted on the plus strand (T on the coding strand, the reverse complement: TRIT1 is on the minus strand). VCF-style (leftmost placement, unchanged base first): chr1-39844617-CA-C. GRCh37 (hg19) VCF-style: chr1-40310289-CA-C.
Other names: c.951delT, p.Val318Serfs (NM_001312691.2); c.783delT, p.Val262Serfs (NM_001312692.2); short protein forms V262fs, V318fs, V344fs.
Identifiers: ClinVar variation 1700786 (VCV001700786.7), dbSNP rs1331558743, ClinGen allele CA522424430.